The following is an entry in ClinVar:

ClinVar aggregate classification (germline): Benign. Review status: criteria provided, multiple submitters, no conflicts (2 of 4 stars). 3 submissions from 3 submitters: Benign (3). Last evaluated 2023-11-12.

Allele frequency attached by ClinVar (database versions not stated): 1000 Genomes Project 30x 0.21143; 1000 Genomes Project 0.21206; TOPMed 0.24931; gnomAD 0.25980 and 0.26020.
gnomAD v4.1: 200,068 of 710,972 alleles (28%); highest among the groups gnomAD compares: Non-Finnish European, 31%; 30,110 homozygotes.

Submissions (3):

Unidad de Genómica Garrahan, Hospital de Pediatría Garrahan
Classification: Benign. Last evaluated: 2023-11-12. Review status: criteria provided, single submitter. Criteria: ACMG Guidelines, 2015. Collection method: clinical testing. Allele origin: germline. Affected: no. Observed: 40 variant alleles.
Comment: This variant is classified as Benign based on local population frequency. This variant was detected in 42% of patients studied by a panel of primary immunodeficiencies. Number of patients: 40. Only high quality variants are reported.

GeneDx
Classification: Benign. Last evaluated: 2021-05-14. Review status: criteria provided, single submitter. Criteria: GeneDx Variant Classification Process June 2021. Collection method: clinical testing. Allele origin: germline. Affected: yes.

Breakthrough Genomics
Classification: Benign. Review status: criteria provided, single submitter. Criteria: ACMG Guidelines, 2015. Collection method: not provided. Allele origin: germline. Inheritance: Autosomal dominant inheritance. Affected: yes.

NM_002661.5(PLCG2):c.194-146A>G

Gene: PLCG2 (phospholipase C gamma 2; plus strand). Cytogenetic location: 16q23.3.
Variant type: single nucleotide variant.
Coding change: c.194-146A>G on transcript NM_002661.5 (MANE Select); 146 bases into the intron before coding-DNA position 194, A replaced by G.
Molecular consequence: intron variant.
Genome position (GRCh38, 1-based): chr16:81,854,298, A>G. VCF-style: chr16-81854298-A-G. GRCh37 (hg19) VCF-style: chr16-81887903-A-G.
Identifiers: ClinVar variation 1279106 (VCV001279106.4), dbSNP rs4072831, ClinGen allele CA14288057.